The following is an entry in ClinVar:

ClinVar aggregate classification (germline): Uncertain significance. Review status: criteria provided, multiple submitters, no conflicts (2 of 4 stars). 2 submissions from 2 submitters: Uncertain significance (2). Last evaluated 2025-04-10.

Conditions:
Hereditary cancer-predisposing syndrome. Also called: Neoplastic Syndromes, Hereditary; Hereditary neoplastic syndrome; Hereditary Cancer Syndrome; Tumor predisposition. Identifiers: Orphanet 140162, MedGen C0027672, MeSH D009386, MONDO:0015356.
DICER1-related tumor predisposition. Also called: DICER1 syndrome; DICER1-related pleuropulmonary blastoma cancer predisposition syndrome. Identifiers: Orphanet 284343, MedGen C3839822, MONDO:0100216.

Allele frequency attached by ClinVar (database versions not stated): gnomAD exomes below 0.00001; TOPMed below 0.00001.
gnomAD v4.1: 3 of 1,614,198 alleles (0.00019%); highest among the groups gnomAD compares: African/African-American, 0.0013%; no homozygotes.

Submissions (2):

Ambry Genetics
Classification: Uncertain significance for Hereditary cancer-predisposing syndrome. Last evaluated: 2025-04-10. Review status: criteria provided, single submitter. Criteria: Ambry Variant Classification Scheme 2023. Collection method: clinical testing. Allele origin: germline.
Comment: The p.I1219V variant (also known as c.3655A>G), located in coding exon 20 of the DICER1 gene, results from an A to G substitution at nucleotide position 3655. The isoleucine at codon 1219 is replaced by valine, an amino acid with highly similar properties. This amino acid position is not well conserved in available vertebrate species, and valine is the reference amino acid in other vertebrate species. In addition, this alteration is predicted to be tolerated by in silico analysis. Since supporting evidence is limited at this time, the clinical significance of this alteration remains unclear.

Labcorp Genetics (formerly Invitae), Labcorp
Classification: Uncertain significance for DICER1-related tumor predisposition. Last evaluated: 2023-07-16. Review status: criteria provided, single submitter. Criteria: Invitae Variant Classification Sherloc (09022015). Collection method: clinical testing. Allele origin: germline.
Comment: ClinVar contains an entry for this variant (Variation ID: 659527). This sequence change replaces isoleucine, which is neutral and non-polar, with valine, which is neutral and non-polar, at codon 1219 of the DICER1 protein (p.Ile1219Val). This variant is not present in population databases (gnomAD no frequency). This variant has not been reported in the literature in individuals affected with DICER1-related conditions. Advanced modeling of protein sequence and biophysical properties (such as structural, functional, and spatial information, amino acid conservation, physicochemical variation, residue mobility, and thermodynamic stability) performed at Invitae indicates that this missense variant is not expected to disrupt DICER1 protein function. In summary, the available evidence is currently insufficient to determine the role of this variant in disease. Therefore, it has been classified as a Variant of Uncertain Significance.

NM_177438.3(DICER1):c.3655A>G (p.Ile1219Val)

Gene: DICER1 (dicer 1, ribonuclease III; minus strand). Cytogenetic location: 14q32.13.
Variant type: single nucleotide variant.
Coding change: c.3655A>G on transcript NM_177438.3 (MANE Select); coding-DNA position 3655, A replaced by G.
Protein change: p.Ile1219Val; replaces isoleucine 1219 with valine.
Molecular consequence: missense variant.
Genome position (GRCh38, 1-based): chr14:95,103,741, T>C on the plus strand (A>G on the coding strand, the complement: DICER1 is on the minus strand). VCF-style: chr14-95103741-T-C. GRCh37 (hg19) VCF-style: chr14-95570078-T-C.
Other names: c.3655A>G, p.Ile1219Val (NM_030621.4, NM_001195573.1, NM_001271282.3 and 1 more transcripts); short protein forms I1219V.
Identifiers: ClinVar variation 659527 (VCV000659527.13), dbSNP rs1595365566, ClinGen allele CA390874512.
Genomic context (GRCh38, chr14:95,103,741, plus strand): 5'-TCAGGAGAGTACATTCATCGCTGGGCTGGGGCTGGTTCTCGTAACTGTATAAATTCTGAA[T>C]GGAATATGAGGTAGTTGGTTGCACGGGTATTTCCTGCTTGTAGTAATTTAGCTGATTTCC-3'
Protein context (NP_803187.1, residues 1209-1229): IPVQPTTSYS[Ile1219Val]QNLYSYENQP